The following is an entry in ClinVar:

NM_024915.4(GRHL2):c.1862C>A (p.Thr621Lys)

Gene: GRHL2 (grainyhead like transcription factor 2; plus strand). Cytogenetic location: 8q22.3.
Variant type: single nucleotide variant.
Coding change: c.1862C>A on transcript NM_024915.4 (MANE Select); coding-DNA position 1862, C replaced by A.
Protein change: p.Thr621Lys; replaces threonine 621 with lysine.
Molecular consequence: missense variant.
Genome position (GRCh38, 1-based): chr8:101,666,687, C>A. VCF-style: chr8-101666687-C-A. GRCh37 (hg19) VCF-style: chr8-102678915-C-A.
Other names: c.1814C>A, p.Thr605Lys (NM_001330593.2); short protein forms T605K, T621K.
Identifiers: ClinVar variation 3651373 (VCV003651373.2).

ClinVar aggregate classification (germline): Uncertain significance (1 of 4 stars; one submission).

gnomAD v4.1: 1 of 1,610,138 alleles (0.000062%); highest among the groups gnomAD compares: Non-Finnish European, 0.000085%; no homozygotes.

Submission:

Labcorp Genetics (formerly Invitae), Labcorp
Classification: Uncertain significance. Last evaluated: 2024-04-27. Review status: criteria provided, single submitter. Criteria: Invitae Variant Classification Sherloc (09022015). Collection method: clinical testing. Allele origin: germline.
Comment: This sequence change replaces threonine, which is neutral and polar, with lysine, which is basic and polar, at codon 621 of the GRHL2 protein (p.Thr621Lys). This variant is not present in population databases (gnomAD no frequency). This variant has not been reported in the literature in individuals affected with GRHL2-related conditions. Advanced modeling of protein sequence and biophysical properties (such as structural, functional, and spatial information, amino acid conservation, physicochemical variation, residue mobility, and thermodynamic stability) performed at Invitae indicates that this missense variant is expected to disrupt GRHL2 protein function with a positive predictive value of 80%. In summary, the available evidence is currently insufficient to determine the role of this variant in disease. Therefore, it has been classified as a Variant of Uncertain Significance.